The following is an entry in ClinVar:

ClinVar aggregate classification (germline): Uncertain significance. Review status: criteria provided, multiple submitters, no conflicts (2 of 4 stars). 2 submissions from 2 submitters: Uncertain significance (2). Last evaluated 2022-07-03.

Conditions:
Retinitis pigmentosa (RP). Identifiers: Orphanet 791, MedGen C0035334, MeSH D012174, MONDO:0019200, OMIM 268000. Inheritance: Autosomal dominant, autosomal recessive and X linked inheritance.

Allele frequency attached by ClinVar (database versions not stated): TOPMed 0.00002.
gnomAD v4.1: 12 of 1,551,264 alleles (0.00077%); highest among the groups gnomAD compares: Admixed American, 0.0098%; no homozygotes.

Submissions (2):

Labcorp Genetics (formerly Invitae), Labcorp
Classification: Uncertain significance. Last evaluated: 2022-07-03. Review status: criteria provided, single submitter. Criteria: Invitae Variant Classification Sherloc (09022015). Collection method: clinical testing. Allele origin: germline.
Comment: This sequence change replaces glutamine, which is neutral and polar, with lysine, which is basic and polar, at codon 1536 of the EYS protein (p.Gln1536Lys). This variant is present in population databases (rs557152369, gnomAD 0.008%). This variant has not been reported in the literature in individuals affected with EYS-related conditions. ClinVar contains an entry for this variant (Variation ID: 357710). Algorithms developed to predict the effect of missense changes on protein structure and function output the following: SIFT: "Tolerated"; PolyPhen-2: "Benign"; Align-GVGD: "Class C0". The lysine amino acid residue is found in multiple mammalian species, which suggests that this missense change does not adversely affect protein function. In summary, the available evidence is currently insufficient to determine the role of this variant in disease. Therefore, it has been classified as a Variant of Uncertain Significance.

Illumina Laboratory Services, Illumina
Classification: Uncertain significance for Retinitis pigmentosa. Last evaluated: 2018-01-13. Review status: criteria provided, single submitter. Criteria: ICSL Variant Classification Criteria 13 December 2019. Collection method: clinical testing. Allele origin: germline.

NM_001142800.2(EYS):c.4606C>A (p.Gln1536Lys)

Gene: EYS (EGF-like photoreceptor maintenance factor; minus strand). Cytogenetic location: 6q12.
Variant type: single nucleotide variant.
Coding change: c.4606C>A on transcript NM_001142800.2 (MANE Select); coding-DNA position 4606, C replaced by A.
Protein change: p.Gln1536Lys; replaces glutamine 1536 with lysine.
Molecular consequence: missense variant.
Genome position (GRCh38, 1-based): chr6:64,591,261, G>T on the plus strand (C>A on the coding strand, the complement: EYS is on the minus strand). VCF-style: chr6-64591261-G-T. GRCh37 (hg19) VCF-style: chr6-65301154-G-T.
Other names: c.4606C>A, p.Gln1536Lys (NM_001292009.2); short protein forms Q1536K.
Identifiers: ClinVar variation 357710 (VCV000357710.9), dbSNP rs557152369, ClinGen allele CA3877067.
Genomic context (GRCh38, chr6:64,591,261, plus strand): 5'-ATGTTTGGCTTAATTCTCTTAAAGAATCAGCAGCCTGTGATTTGATGTTTGTGAGTCTCT[G>T]GTTGCTTGAAGCCTCAGTAATAGCCTGATATTCACTGGGATTGAAGGCTTTTGTACTGAA-3'
Protein context (NP_001136272.1, residues 1526-1546): YQAITEASSN[Gln1536Lys]RLTNIKSQAA